The following is an entry in ClinVar:

ClinVar aggregate classification (germline): Pathogenic (1 of 4 stars; one submission).

Conditions:
Kleefstra-like syndrome.

Submission:

Research Unit for Rare Diseases, 1st Faculty of Medicine, Charles University in Prague
Classification: Pathogenic for Kleefstra-like syndrome. Last evaluated: 2025-07-07. Review status: criteria provided, single submitter. Criteria: ACMG Guidelines, 2015. Collection method: clinical testing. Allele origin: de novo. Inheritance: Autosomal dominant inheritance. Affected: yes.
Comment: De-novo variant not present in the databases, episignature profile overlaping with Kleefstra syndrome and clustering together with other EHMT2 pathogenic variants, histone modification and transcriptome analyses resembling Kleefstra syndrome, structural and biochemical analyses showing loss of enzymatic activity, mouse model recapitulating some major features of patients` phenotype

NM_006709.5(EHMT2):c.3335A>G (p.Asn1112Ser)

Genes: EHMT2 (euchromatic histone lysine methyltransferase 2; minus strand), EHMT2-AS1 (EHMT2 and SLC44A4 antisense RNA 1; plus strand). Cytogenetic location: 6p21.33.
Variant type: single nucleotide variant.
Coding change: c.3335A>G on transcript NM_006709.5 (MANE Select); coding-DNA position 3335, A replaced by G.
Protein change: p.Asn1112Ser; replaces asparagine 1112 with serine.
Molecular consequence: missense variant.
Genome position (GRCh38, 1-based): chr6:31,880,790, T>C on the plus strand (A>G on the coding strand, the complement: EHMT2 is on the minus strand). VCF-style: chr6-31880790-T-C. GRCh37 (hg19) VCF-style: chr6-31848567-T-C.
Other names: c.3404A>G, p.Asn1135Ser (NM_001289413.2); c.2729A>G, p.Asn910Ser (NM_001318833.2); c.3506A>G, p.Asn1169Ser (NM_001363689.2); c.3356A>G, p.Asn1119Ser (NM_001395160.1); c.3272A>G, p.Asn1091Ser (NM_001395161.1); c.3257A>G, p.Asn1086Ser (NM_001395162.1); c.3254A>G, p.Asn1085Ser (NM_001395163.1); c.3230A>G, p.Asn1077Ser (NM_001395164.1); and 2 more; short protein forms N1026S, N1077S, N1078S, N1085S, N1086S, N1091S, N1112S, N1119S.
Identifiers: ClinVar variation 4057266 (VCV004057266.1).